The following is an entry in ClinVar:

ClinVar aggregate classification (germline): Uncertain significance (1 of 4 stars; one submission).

Submission:

Labcorp Genetics (formerly Invitae), Labcorp
Classification: Uncertain significance. Last evaluated: 2022-06-29. Review status: criteria provided, single submitter. Criteria: Invitae Variant Classification Sherloc (09022015). Collection method: clinical testing. Allele origin: germline.
Comment: This sequence change falls in intron 2 of the NR2E3 gene. It does not directly change the encoded amino acid sequence of the NR2E3 protein. It affects a nucleotide within the consensus splice site. This variant is not present in population databases (gnomAD no frequency). This variant has not been reported in the literature in individuals affected with NR2E3-related conditions. Variants that disrupt the consensus splice site are a relatively common cause of aberrant splicing (PMID: 17576681, 9536098). Experimental studies and prediction algorithms are not available or were not evaluated, and the effect of this variant on mRNA splicing is currently unknown. In summary, the available evidence is currently insufficient to determine the role of this variant in disease. Therefore, it has been classified as a Variant of Uncertain Significance.

Literature cited by the submitters: PubMed 17576681; PubMed 9536098.

NM_014249.4(NR2E3):c.246-3C>T

Gene: NR2E3 (nuclear receptor subfamily 2 group E member 3; plus strand). Cytogenetic location: 15q23.
Variant type: single nucleotide variant.
Coding change: c.246-3C>T on transcript NM_014249.4 (MANE Select); 3 bases into the intron before coding-DNA position 246, C replaced by T.
Molecular consequence: intron variant.
Genome position (GRCh38, 1-based): chr15:71,811,763, C>T. VCF-style: chr15-71811763-C-T. GRCh37 (hg19) VCF-style: chr15-72104103-C-T.
Other names: c.246-3C>T (NM_016346.4).
Identifiers: ClinVar variation 2414662 (VCV002414662.1), dbSNP rs2543253694, ClinGen allele CA2580089926.